The following is an entry in ClinVar:

NM_000057.4(BLM):c.3102_3103delinsAT (p.Glu1035Ter)

Gene: BLM (BLM RecQ like helicase; plus strand). Cytogenetic location: 15q26.1.
Variant type: Indel.
Coding change: c.3102_3103delinsAT on transcript NM_000057.4 (MANE Select); coding-DNA positions 3102 to 3103, GG replaced by AT.
Protein change: p.Glu1035Ter; replaces glutamic acid 1035 with a stop codon.
Molecular consequence: nonsense.
Genome position (GRCh38, 1-based): chr15:90,794,249-90,794,250, GG replaced by AT. VCF-style: chr15-90794249-GG-AT. GRCh37 (hg19) VCF-style: chr15-91337479-GG-AT.
Other names: c.3102_3103delinsAT, p.Glu1035Ter (NM_001287246.2, NM_001287247.2); c.1977_1978delinsAT, p.Glu660Ter (NM_001287248.2); short protein forms E660*, E1035*.
Identifiers: ClinVar variation 2955260 (VCV002955260.3), dbSNP rs2505525112, ClinGen allele CA2740096774.

ClinVar aggregate classification (germline): Pathogenic (1 of 4 stars; one submission).

Conditions:
Bloom syndrome (BLM). Also called: Bloom-Torre-Machacek syndrome. Identifiers: Orphanet 125, MedGen C0005859, MONDO:0008876, OMIM 210900.

Submission:

Labcorp Genetics (formerly Invitae), Labcorp
Classification: Pathogenic for Bloom syndrome. Last evaluated: 2023-02-27. Review status: criteria provided, single submitter. Criteria: Invitae Variant Classification Sherloc (09022015). Collection method: clinical testing. Allele origin: germline.
Comment: For these reasons, this variant has been classified as Pathogenic. This variant has not been reported in the literature in individuals affected with BLM-related conditions. Information on the frequency of this variant in the gnomAD database is not available, as this variant may be reported differently in the database. This sequence change creates a premature translational stop signal (p.Glu1035*) in the BLM gene. It is expected to result in an absent or disrupted protein product. Loss-of-function variants in BLM are known to be pathogenic (PMID: 17407155).

Literature cited by the submitters: PubMed 17407155.